The following is an entry in ClinVar:

NM_133259.4(LRPPRC):c.179C>T (p.Ala60Val)

Gene: LRPPRC (leucine rich pentatricopeptide repeat containing; minus strand). Cytogenetic location: 2p21.
Variant type: single nucleotide variant.
Coding change: c.179C>T on transcript NM_133259.4 (MANE Select); coding-DNA position 179, C replaced by T.
Protein change: p.Ala60Val; replaces alanine 60 with valine.
Molecular consequence: missense variant.
Genome position (GRCh38, 1-based): chr2:43,982,405, G>A on the plus strand (C>T on the coding strand, the complement: LRPPRC is on the minus strand). VCF-style: chr2-43982405-G-A. GRCh37 (hg19) VCF-style: chr2-44209544-G-A.
Other names: short protein forms A60V.
Identifiers: ClinVar variation 336172 (VCV000336172.8), dbSNP rs546399905, ClinGen allele CA1639442.

ClinVar aggregate classification (germline): Conflicting classifications of pathogenicity. Review status: criteria provided, conflicting classifications (1 of 4 stars). 4 submissions from 4 submitters: Uncertain significance (3); Likely benign (1). Last evaluated 2025-07-14.

Conditions:
Congenital lactic acidosis, Saguenay-Lac-Saint-Jean type (MC4DN5). Also called: CYTOCHROME c OXIDASE DEFICIENCY, FRENCH CANADIAN TYPE; COX DEFICIENCY, FRENCH CANADIAN TYPE; MITOCHONDRIAL COMPLEX IV DEFICIENCY, NUCLEAR TYPE 5. Identifiers: Orphanet 70472, MedGen C1857355, MONDO:0009069, OMIM 220111.
Inborn genetic diseases. Identifiers: MedGen C0950123, MeSH D030342.

Allele frequency attached by ClinVar (database versions not stated): ExAC 0.00010; gnomAD 0.00012 and 0.00015; gnomAD exomes 0.00012; 1000 Genomes Project 0.00020; 1000 Genomes Project 30x 0.00031; TOPMed 0.00032.
gnomAD v4.1: 72 of 1,613,756 alleles (0.0045%); highest among the groups gnomAD compares: Admixed American, 0.07%; no homozygotes.

Submissions (4):

GeneDx
Classification: Uncertain significance. Last evaluated: 2025-07-14. Review status: criteria provided, single submitter. Criteria: GeneDx Variant Classification Process June 2021. Collection method: clinical testing. Allele origin: germline. Affected: yes.
Comment: In silico analysis suggests that this missense variant does not alter protein structure/function; Has not been previously published as pathogenic or benign to our knowledge

Labcorp Genetics (formerly Invitae), Labcorp
Classification: Uncertain significance. Last evaluated: 2022-08-09. Review status: criteria provided, single submitter. Criteria: Invitae Variant Classification Sherloc (09022015). Collection method: clinical testing. Allele origin: germline.
Comment: This sequence change replaces alanine, which is neutral and non-polar, with valine, which is neutral and non-polar, at codon 60 of the LRPPRC protein (p.Ala60Val). This variant is present in population databases (rs546399905, gnomAD 0.06%). This variant has not been reported in the literature in individuals affected with LRPPRC-related conditions. ClinVar contains an entry for this variant (Variation ID: 336172). Algorithms developed to predict the effect of missense changes on protein structure and function output the following: SIFT: "Tolerated"; PolyPhen-2: "Benign"; Align-GVGD: "Class C0". The valine amino acid residue is found in multiple mammalian species, which suggests that this missense change does not adversely affect protein function. In summary, the available evidence is currently insufficient to determine the role of this variant in disease. Therefore, it has been classified as a Variant of Uncertain Significance.

Ambry Genetics
Classification: Likely benign for Inborn genetic diseases. Last evaluated: 2022-02-02. Review status: criteria provided, single submitter. Criteria: Ambry Variant Classification Scheme 2023. Collection method: clinical testing. Allele origin: germline.

Illumina Laboratory Services, Illumina
Classification: Uncertain significance for Congenital lactic acidosis, Saguenay-Lac-Saint-Jean type. Last evaluated: 2018-01-12. Review status: criteria provided, single submitter. Criteria: ICSL Variant Classification Criteria 13 December 2019. Collection method: clinical testing. Allele origin: germline.